The following is an entry in ClinVar:

NM_005850.5(SF3B4):c.512dup (p.Ile172fs)

Gene: SF3B4 (splicing factor 3b subunit 4; minus strand). Cytogenetic location: 1q21.2.
Variant type: Duplication.
Coding change: c.512dup on transcript NM_005850.5 (MANE Select); coding-DNA position 512, one base duplicated (C; older notation c.512dupC).
Protein change: p.Ile172fs; shifts the reading frame from isoleucine 172.
Molecular consequence: frameshift variant.
Genome position (GRCh38, 1-based): chr1:149,926,570, G duplicated on the plus strand (C on the coding strand, the reverse complement: SF3B4 is on the minus strand); the first of 2 consecutive G bases (chr1:149,926,570-149,926,571); duplicating either gives the same sequence. VCF-style (leftmost placement, unchanged base first): chr1-149926569-A-AG. GRCh37 (hg19) VCF-style: chr1-149898461-A-AG.
Other names: short protein forms I172fs.
Identifiers: ClinVar variation 3382165 (VCV003382165.2).

ClinVar aggregate classification (germline): Pathogenic (1 of 4 stars; one submission).

Conditions:
Nager syndrome (AFD1). Also called: Nager acrofacial dysostosis; MANDIBULOFACIAL DYSOSTOSIS, TREACHER COLLINS TYPE, WITH LIMB ANOMALIES; Acrofacial Dysostosis 1, Nager Type; Nager acrofacial dysostosis syndrome. Identifiers: Orphanet 245, MedGen C0265245, MONDO:0007943, OMIM 154400.

Submission:

Juno Genomics, Hangzhou Juno Genomics, Inc
Classification: Pathogenic for Nager syndrome. Review status: criteria provided, single submitter. Criteria: ACMG Guidelines, 2015. Collection method: clinical testing. Allele origin: germline. Affected: yes.
Comment: Null variant in a gene where loss of function (LOF) is a known mechanism of disease.;Absent from controls (or at extremely low frequency if recessive) in Genome Aggregation Database, Exome Sequencing Project, 1000 Genomes Project, or Exome Aggregation Consortium.;Assumed de novo, but without confirmation of paternity and maternity.